The following is an entry in ClinVar:

NM_000492.4(CFTR):c.109A>G (p.Ile37Val)

Gene: CFTR (CF transmembrane conductance regulator; plus strand). Cytogenetic location: 7q31.2.
Variant type: single nucleotide variant.
Coding change: c.109A>G on transcript NM_000492.4 (MANE Select); coding-DNA position 109, A replaced by G.
Protein change: p.Ile37Val; replaces isoleucine 37 with valine.
Molecular consequence: missense variant.
Genome position (GRCh38, 1-based): chr7:117,504,308, A>G. VCF-style: chr7-117504308-A-G. GRCh37 (hg19) VCF-style: chr7-117144362-A-G.
Other names: c.109A>G (NM_000492.3); short protein forms I37V.
Identifiers: ClinVar variation 596532 (VCV000596532.14), dbSNP rs759721412, ClinGen allele CA4450636.

ClinVar aggregate classification (germline): Uncertain significance. Review status: criteria provided, multiple submitters, no conflicts (2 of 4 stars). 6 submissions from 6 submitters: Uncertain significance (5). 1 of the submissions does not count toward it. Last evaluated 2025-09-27.

Conditions:
CFTR-related disorder (CFTR-RD). Also called: CFTR-related disorders; CFTR-related condition. Identifiers: MedGen C5924204, MONDO:7770004.
Cystic fibrosis (CF). Also called: MUCOVISCIDOSIS. Identifiers: Orphanet 586, MedGen C0010674, MONDO:0009061, OMIM 219700. Disease mechanism: loss of function.

Allele frequency attached by ClinVar (database versions not stated): gnomAD exomes below 0.00001; ExAC 0.00001; TOPMed 0.00001.
gnomAD v4.1: 3 of 1,613,008 alleles (0.00019%); highest among the groups gnomAD compares: East Asian, 0.0022%; no homozygotes.

Submissions (6):

Labcorp Genetics (formerly Invitae), Labcorp
Classification: Uncertain significance for Cystic fibrosis. Last evaluated: 2025-09-27. Review status: criteria provided, single submitter. Criteria: Invitae Variant Classification Sherloc (09022015). Collection method: clinical testing. Allele origin: germline.
Comment: This sequence change replaces isoleucine, which is neutral and non-polar, with valine, which is neutral and non-polar, at codon 37 of the CFTR protein (p.Ile37Val). This variant is present in population databases (rs759721412, gnomAD 0.006%). This variant has not been reported in the literature in individuals affected with CFTR-related conditions. ClinVar contains an entry for this variant (Variation ID: 596532). Invitae Evidence Modeling of protein sequence and biophysical properties (such as structural, functional, and spatial information, amino acid conservation, physicochemical variation, residue mobility, and thermodynamic stability) indicates that this missense variant is not expected to disrupt CFTR protein function with a negative predictive value of 80%. In summary, the available evidence is currently insufficient to determine the role of this variant in disease. Therefore, it has been classified as a Variant of Uncertain Significance.

Quest Diagnostics Nichols Institute San Juan Capistrano
Classification: Uncertain significance. Last evaluated: 2025-06-05. Review status: criteria provided, single submitter. Criteria: Quest Diagnostics criteria. Collection method: clinical testing. Allele origin: unknown.
Comment: The CFTR c.109A>G (p.Ile37Val) variant, to the best of our knowledge, has not been reported in the published literature. The frequency of this variant in the general population (Genome Aggregation Database) is uninformative in the assessment of its pathogenicity. Analysis of this variant using bioinformatics tools for the prediction of the effect of amino acid changes on protein structure and function yielded predictions that this variant is benign. Based on the available information, we are unable to determine the clinical significance of this variant.

Ambry Genetics
Classification: Uncertain significance for Cystic fibrosis. Last evaluated: 2024-12-30. Review status: criteria provided, single submitter. Criteria: Ambry Variant Classification Scheme 2023. Collection method: clinical testing. Allele origin: germline.
Comment: The p.I37V variant (also known as c.109A>G), located in coding exon 2 of the CFTR gene, results from an A to G substitution at nucleotide position 109. The isoleucine at codon 37 is replaced by valine, an amino acid with highly similar properties. This amino acid position is highly conserved in available vertebrate species. In addition, this alteration is predicted to be tolerated by in silico analysis. Based on the available evidence, the clinical significance of this variant remains unclear.

Eurofins Ntd Llc (ga)
Classification: Uncertain significance. Last evaluated: 2018-03-15. Review status: criteria provided, single submitter. Criteria: EGL ClinVar v180209 classification definitions. Collection method: clinical testing. Allele origin: germline. Observed: 1 variant allele, 1 heterozygote.

Blueprint Genetics
Classification: Uncertain significance. Last evaluated: 2017-07-12. Review status: criteria provided, single submitter. Criteria: ACMG Guidelines, 2015. Collection method: clinical testing. Allele origin: germline.

PreventionGenetics, part of Exact Sciences
Classification: Uncertain significance for CFTR-related condition. Last evaluated: 2024-04-25. Review status: no assertion criteria provided. Collection method: clinical testing. Allele origin: germline. Not counted in ClinVar's aggregate classification.
Comment: The CFTR c.109A>G variant is predicted to result in the amino acid substitution p.Ile37Val. To our knowledge, this variant has not been reported in the literature. This variant is reported in 0.0054% of alleles in individuals of East Asian descent in gnomAD. At this time, the clinical significance of this variant is uncertain due to the absence of conclusive functional and genetic evidence.